The following is an entry in ClinVar:

NM_000018.4(ACADVL):c.668C>G (p.Ser223Ter)

Gene: ACADVL (acyl-CoA dehydrogenase very long chain; plus strand). Cytogenetic location: 17p13.1.
Variant type: single nucleotide variant.
Coding change: c.668C>G on transcript NM_000018.4 (MANE Select); coding-DNA position 668, C replaced by G.
Protein change: p.Ser223Ter; replaces serine 223 with a stop codon.
Molecular consequence: nonsense.
Genome position (GRCh38, 1-based): chr17:7,221,997, C>G. VCF-style: chr17-7221997-C-G. GRCh37 (hg19) VCF-style: chr17-7125316-C-G.
Other names: NM_000018.4(ACADVL):c.668C>G; p.Ser223Ter; c.602C>G, p.Ser201Ter (NM_001033859.3); c.737C>G, p.Ser246Ter (NM_001270447.2); c.440C>G, p.Ser147Ter (NM_001270448.2); short protein forms S201*, S147*, S246*, S223*.
Identifiers: ClinVar variation 932737 (VCV000932737.2), dbSNP rs2071253904, ClinGen allele CA397723428.

ClinVar aggregate classification (germline): Likely pathogenic. Review status: reviewed by expert panel (3 of 4 stars). 2 submissions from 2 submitters: Likely pathogenic (1). 1 of the submissions does not count toward it. Last evaluated 2023-09-26.

Conditions:
Very long chain acyl-CoA dehydrogenase deficiency (ACADVLD). Also called: Very Long-Chain Acyl-Coenzyme A Dehydrogenase Deficiency; VLCAD Deficiency. Identifiers: Orphanet 26793, MedGen C3887523, MONDO:0008723, OMIM 201475.

Submissions (2):

ClinGen ACADVL Variant Curation Expert Panel, ClinGen
Classification: Likely pathogenic for Very long chain acyl-CoA dehydrogenase deficiency. Last evaluated: 2023-09-26. Review status: reviewed by expert panel. Criteria: clingen acadvl acmg specifications v1. Collection method: curation. Allele origin: germline. Inheritance: Autosomal recessive inheritance.
Comment: The c.668C>G ( p.Ser223Ter)(NM_000018.4) variant in ACADVL is a nonsense variant predicted to cause a premature stop codon in biologically-relevant-exon 8/20 leading to nonsense mediated decay in a gene in which loss-of-function is an established disease mechanism (PVS1; PMIDs 9973285, 11590124). At least one individual with this variant was identified by newborn screen, but this information is insufficient to use toward classification (PMID: 26385305). This variant is absent from gnomAD v2.1.1 (PM2_Supporting). In summary, this variant meets the criteria to be classified as likely pathogenic for autosomal recessive very long chain acyl-CoA dehydrogenase (VLCAD) deficiency based on the ACMG/AMP criteria applied, as specified by the ClinGen ACADVL Variant Curation Expert Panel: PVS1, PM2_Suporting (ACADVL VCEP specifications version 1; approved November 9, 2021).

Wong Mito Lab, Molecular and Human Genetics, Baylor College of Medicine
Classification: Pathogenic for Very long chain acyl-CoA dehydrogenase deficiency. Last evaluated: 2019-11-01. Review status: criteria provided, single submitter. Criteria: ACMG Guidelines, 2015. Collection method: clinical testing. Allele origin: germline. Not counted in ClinVar's aggregate classification.
Comment: The NM_000018.3:c.668C>G (NP_000009.1:p.Ser223Ter) [GRCH38: NC_000017.11:g.7221997C>G] variant in ACADVL gene is interpretated to be Pathogenic based on ACMG guidelines (PMID: 25741868). This variant has been reported. This variant meets the following evidence codes reported in the ACMG guidelines: PVS1, PS3